The following is an entry in ClinVar:

NM_001367549.1(ATP13A3):c.3638C>G (p.Pro1213Arg)

Gene: ATP13A3 (ATPase 13A3; minus strand). Cytogenetic location: 3q29.
Variant type: single nucleotide variant.
Coding change: c.3638C>G on transcript NM_001367549.1 (MANE Select); coding-DNA position 3638, C replaced by G.
Protein change: p.Pro1213Arg; replaces proline 1213 with arginine.
Molecular consequence: missense variant. On other transcripts: non-coding transcript variant (1).
Genome position (GRCh38, 1-based): chr3:194,406,052, G>C on the plus strand (C>G on the coding strand, the complement: ATP13A3 is on the minus strand). VCF-style: chr3-194406052-G-C. GRCh37 (hg19) VCF-style: chr3-194126781-G-C.
Other names: c.3557C>G, p.Pro1186Arg (NM_001374836.1); c.3548C>G, p.Pro1183Arg (NM_024524.4); short protein forms P1183R, P1186R, P1213R.
Identifiers: ClinVar variation 3012253 (VCV003012253.3), dbSNP rs755690791, ClinGen allele CA2761365.
Genomic context (GRCh38, chr3:194,406,052, plus strand): 5'-TTTGGTGGCCATTCTGGATCAACCAAGAGCTCCTGCGCCAGATACATGTACTTTGCCTTT[G>C]GTGTCTTCTTTCTACAGCCCAGGGCCCAGGGTAAGCAGCATTTTCCCCACCGATCCACTG-3'
Protein context (NP_001354478.1, residues 1203-1223): PWALGCRKKT[Pro1213Arg]KAKYMYLAQE

ClinVar aggregate classification (germline): Uncertain significance (1 of 4 stars; one submission).

Allele frequency attached by ClinVar (database versions not stated): TOPMed below 0.00001; ExAC 0.00002.
gnomAD v4.1: 7 of 1,614,170 alleles (0.00043%); highest among the groups gnomAD compares: South Asian, 0.0055%; no homozygotes.

Submission:

Labcorp Genetics (formerly Invitae), Labcorp
Classification: Uncertain significance. Last evaluated: 2023-12-30. Review status: criteria provided, single submitter. Criteria: Invitae Variant Classification Sherloc (09022015). Collection method: clinical testing. Allele origin: germline.
Comment: This sequence change replaces proline, which is neutral and non-polar, with arginine, which is basic and polar, at codon 1183 of the ATP13A3 protein (p.Pro1183Arg). This variant is present in population databases (rs755690791, gnomAD 0.006%). This variant has not been reported in the literature in individuals affected with ATP13A3-related conditions. An algorithm developed to predict the effect of missense changes on protein structure and function (PolyPhen-2) suggests that this variant is likely to be disruptive. In summary, the available evidence is currently insufficient to determine the role of this variant in disease. Therefore, it has been classified as a Variant of Uncertain Significance.